The following is an entry in ClinVar:

NR_002196.3(H19):n.554_574dup

Genes: H19 (H19 imprinted maternally expressed transcript; minus strand), MRPL23 (mitochondrial ribosomal protein L23; plus strand). Cytogenetic location: 11p15.5.
Variant type: Duplication.
Molecular consequence: non-coding transcript variant (on NR_002196.3). On other transcripts: intron variant (1).
Genome position: GRCh38 VCF-style: chr11-1997268-T-TGCTAACTCTCCTGCCCCCATC. GRCh37 (hg19) VCF-style: chr11-2018498-T-TGCTAACTCTCCTGCCCCCATC.
Other names: c.498-14272_498-14252dup (NM_001400176.1).
Identifiers: ClinVar variation 4985047 (VCV004985047.1).

ClinVar aggregate classification (germline): Likely benign (1 of 4 stars; one submission).

Conditions:
H19-related disorder. Also called: H19-related condition.

Submission:

PreventionGenetics, part of Exact Sciences
Classification: Likely benign for H19-related condition. Last evaluated: 2025-04-27. Review status: criteria provided, single submitter. Criteria: ACMG Guidelines, 2015. Collection method: clinical testing. Allele origin: germline.
Comment: This variant is classified as likely benign based on ACMG/AMP sequence variant interpretation guidelines (Richards et al. 2015 PMID: 25741868, with internal and published modifications).